The following is an entry in ClinVar:

ClinVar aggregate classification (germline): Uncertain significance (1 of 4 stars; one submission).

gnomAD v4.1: 1 of 1,607,248 alleles (0.000062%); highest among the groups gnomAD compares: Non-Finnish European, 0.000085%; no homozygotes.

Submission:

Labcorp Genetics (formerly Invitae), Labcorp
Classification: Uncertain significance. Last evaluated: 2022-01-13. Review status: criteria provided, single submitter. Criteria: Invitae Variant Classification Sherloc (09022015). Collection method: clinical testing. Allele origin: germline.
Comment: In summary, the available evidence is currently insufficient to determine the role of this variant in disease. Therefore, it has been classified as a Variant of Uncertain Significance. Algorithms developed to predict the effect of missense changes on protein structure and function (SIFT, PolyPhen-2, Align-GVGD) all suggest that this variant is likely to be tolerated. This variant has not been reported in the literature in individuals affected with TAOK2-related conditions. This variant is not present in population databases (gnomAD no frequency). This sequence change replaces arginine, which is basic and polar, with leucine, which is neutral and non-polar, at codon 724 of the TAOK2 protein (p.Arg724Leu).

NM_016151.4(TAOK2):c.2171G>T (p.Arg724Leu)

Gene: TAOK2 (TAO kinase 2; plus strand). Cytogenetic location: 16p11.2.
Variant type: single nucleotide variant.
Coding change: c.2171G>T on transcript NM_016151.4 (MANE Select); coding-DNA position 2171, G replaced by T.
Protein change: p.Arg724Leu; replaces arginine 724 with leucine.
Molecular consequence: missense variant.
Genome position (GRCh38, 1-based): chr16:29,986,443, G>T. VCF-style: chr16-29986443-G-T. GRCh37 (hg19) VCF-style: chr16-29997764-G-T.
Other names: c.2171G>T, p.Arg724Leu (NM_001252043.2, NM_004783.4); short protein forms R724L.
Identifiers: ClinVar variation 1432791 (VCV001432791.6), dbSNP rs867355297, ClinGen allele CA395489606.